The following is an entry in ClinVar:

ClinVar aggregate classification (germline): Uncertain significance. Review status: criteria provided, multiple submitters, no conflicts (2 of 4 stars). 2 submissions from 2 submitters: Uncertain significance (2). Last evaluated 2025-09-24.

Conditions:
Spermatogenic failure 28. Identifiers: MedGen C4748117, MONDO:0054732, OMIM 618086.
Premature ovarian failure 15. Identifiers: MedGen C4748170, MONDO:0054862, OMIM 618096.
Fanconi anemia (FA). Also called: Fanconi's anemia. Identifiers: Orphanet 84, MedGen C0015625, MeSH D005199, MONDO:0019391.

Allele frequency attached by ClinVar (database versions not stated): gnomAD exomes below 0.00001; gnomAD 0.00001 and 0.00002.
gnomAD v4.1: 12 of 1,614,052 alleles (0.00074%); highest among the groups gnomAD compares: Admixed American, 0.0017%; no homozygotes.

Submissions (2):

Labcorp Genetics (formerly Invitae), Labcorp
Classification: Uncertain significance for Fanconi anemia. Last evaluated: 2025-09-24. Review status: criteria provided, single submitter. Criteria: Invitae Variant Classification Sherloc (09022015). Collection method: clinical testing. Allele origin: germline.
Comment: This sequence change replaces glutamic acid, which is acidic and polar, with glutamine, which is neutral and polar, at codon 30 of the FANCM protein (p.Glu30Gln). This variant is present in population databases (rs373268822, gnomAD 0.0009%). This variant has not been reported in the literature in individuals affected with FANCM-related conditions. ClinVar contains an entry for this variant (Variation ID: 456281). An algorithm developed to predict the effect of missense changes on protein structure and function (PolyPhen-2) suggests that this variant is likely to be tolerated. In summary, the available evidence is currently insufficient to determine the role of this variant in disease. Therefore, it has been classified as a Variant of Uncertain Significance.

Fulgent Genetics
Classification: Uncertain significance for Spermatogenic failure 28; Premature ovarian failure 15. Last evaluated: 2022-05-20. Review status: criteria provided, single submitter. Criteria: ACMG Guidelines, 2015. Collection method: clinical testing. Allele origin: unknown.

NM_020937.4(FANCM):c.88G>C (p.Glu30Gln)

Genes: FANCM (FA complementation group M; plus strand), LOC130055524 (ATAC-STARR-seq lymphoblastoid active region 8299; plus strand). Cytogenetic location: 14q21.2.
Variant type: single nucleotide variant.
Coding change: c.88G>C on transcript NM_020937.4 (MANE Select); coding-DNA position 88, G replaced by C.
Protein change: p.Glu30Gln; replaces glutamic acid 30 with glutamine.
Molecular consequence: missense variant.
Genome position (GRCh38, 1-based): chr14:45,136,119, G>C. VCF-style: chr14-45136119-G-C. GRCh37 (hg19) VCF-style: chr14-45605322-G-C.
Other names: c.88G>C, p.Glu30Gln (NM_001308133.2, NM_001308134.2); short protein forms E30Q.
Identifiers: ClinVar variation 456281 (VCV000456281.10), dbSNP rs373268822, ClinGen allele CA259602163.